The following is an entry in ClinVar:

ClinVar aggregate classification (germline): Likely pathogenic (1 of 4 stars; one submission).

Conditions:
Bardet-Biedl syndrome 1 (BBS1). Identifiers: MedGen C2936862, MONDO:0008854, OMIM 209900. Disease mechanism: loss of function.

Submission:

Myriad Genetics, Inc.
Classification: Likely pathogenic for Bardet-Biedl syndrome 1. Last evaluated: 2022-03-15. Review status: criteria provided, single submitter. Criteria: Myriad Women's Health Autosomal Recessive and X-Linked Classification Criteria (2021). Collection method: clinical testing. Allele origin: unknown.
Comment: NM_024649.4(BBS1):c.1253delC(P418Hfs*6) is expected to be pathogenic in the context of Bardet-Biedl syndrome, BBS1-related. This variant is predicted to lead to an abnormal or absent protein product due to the creation of a premature termination codon in BBS1, a gene where loss-of-function variants are known to be pathogenic. Please note: this variant was assessed in the context of healthy population screening.

NM_024649.5(BBS1):c.1253del (p.Pro418fs)

Genes: BBS1 (Bardet-Biedl syndrome 1; plus strand), ZDHHC24 (zDHHC palmitoyltransferase 24; minus strand). Cytogenetic location: 11q13.2.
Variant type: Deletion.
Coding change: c.1253del on transcript NM_024649.5 (MANE Select); coding-DNA position 1253, one base deleted (C; older notation c.1253delC).
Protein change: p.Pro418fs; shifts the reading frame from proline 418.
Molecular consequence: frameshift variant. On other transcripts: intron variant (1).
Genome position (GRCh38, 1-based): chr11:66,526,721, C deleted; the last of 5 consecutive C bases (chr11:66,526,717-66,526,721); deleting any one gives the same sequence. VCF-style (leftmost placement, unchanged base first): chr11-66526716-TC-T. GRCh37 (hg19) VCF-style: chr11-66294187-TC-T.
Other names: c.*21+219del (NM_001348571.2); short protein forms P418fs.
Identifiers: ClinVar variation 1725267 (VCV001725267.2), dbSNP rs2495801307, ClinGen allele CA2580084807.
Genomic context (GRCh38, chr11:66,526,716, plus strand): 5'-CCTGATCATCAAGATCCTGAAGCGTACAGCAGTGTTTGTAGAGGGAGGAAGTGAGGTGGG[TC>T]CCCCACCAGCCCAGGCCATGAAACTCAATGTGCCCCGAAAGACCCGGCTTTACGTGGATC-3'